The following is an entry in ClinVar:

NM_004431.5(EPHA2):c.2698G>A (p.Gly900Ser)

Gene: EPHA2 (EPH receptor A2; minus strand). Cytogenetic location: 1p36.13.
Variant type: single nucleotide variant.
Coding change: c.2698G>A on transcript NM_004431.5 (MANE Select); coding-DNA position 2698, G replaced by A.
Protein change: p.Gly900Ser; replaces glycine 900 with serine.
Molecular consequence: missense variant.
Genome position (GRCh38, 1-based): chr1:16,129,561, C>T on the plus strand (G>A on the coding strand, the complement: EPHA2 is on the minus strand). VCF-style: chr1-16129561-C-T. GRCh37 (hg19) VCF-style: chr1-16456056-C-T.
Other names: c.2536G>A, p.Gly846Ser (NM_001329090.2); short protein forms G900S, G846S.
Identifiers: ClinVar variation 4739501 (VCV004739501.1).

ClinVar aggregate classification (germline): Uncertain significance (1 of 4 stars; one submission).

Conditions:
Cataract 6 multiple types. Also called: CATARACT, AGE-RELATED CORTICAL, 2; CATARACT 6, POSTERIOR POLAR; CATARACT 6, CONGENITAL TOTAL. Identifiers: Orphanet 91492, MedGen C1861825, MONDO:0007288, OMIM 116600.

gnomAD v4.1: 40 of 1,612,568 alleles (0.0025%); highest among the groups gnomAD compares: South Asian, 0.0033%; no homozygotes.

Submission:

Labcorp Genetics (formerly Invitae), Labcorp
Classification: Uncertain significance for Cataract 6 multiple types. Last evaluated: 2025-07-31. Review status: criteria provided, single submitter. Criteria: Invitae Variant Classification Sherloc (09022015). Collection method: clinical testing. Allele origin: germline.
Comment: This sequence change replaces glycine, which is neutral and non-polar, with serine, which is neutral and polar, at codon 900 of the EPHA2 protein (p.Gly900Ser). This variant is present in population databases (rs779866830, gnomAD 0.008%). This variant has not been reported in the literature in individuals affected with EPHA2-related conditions. Invitae Evidence Modeling of protein sequence and biophysical properties (such as structural, functional, and spatial information, amino acid conservation, physicochemical variation, residue mobility, and thermodynamic stability) indicates that this missense variant is not expected to disrupt EPHA2 protein function with a negative predictive value of 95%. In summary, the available evidence is currently insufficient to determine the role of this variant in disease. Therefore, it has been classified as a Variant of Uncertain Significance.